The following is an entry in ClinVar:

ClinVar aggregate classification (germline): Pathogenic (1 of 4 stars; one submission).

Submission:

Labcorp Genetics (formerly Invitae), Labcorp
Classification: Pathogenic. Last evaluated: 2022-06-20. Review status: criteria provided, single submitter. Criteria: Invitae Variant Classification Sherloc (09022015). Collection method: clinical testing. Allele origin: germline.
Comment: For these reasons, this variant has been classified as Pathogenic. This variant has not been reported in the literature in individuals affected with FH-related conditions. This variant is not present in population databases (gnomAD no frequency). This sequence change creates a premature translational stop signal (p.Phe225Cysfs*24) in the FH gene. It is expected to result in an absent or disrupted protein product. Loss-of-function variants in FH are known to be pathogenic (PMID: 11865300, 21398687).

Literature cited by the submitters: PubMed 11865300; PubMed 21398687.

NM_000143.4(FH):c.674_675del (p.Phe225fs)

Gene: FH (fumarate hydratase; minus strand). Cytogenetic location: 1q43.
Variant type: Deletion.
Coding change: c.674_675del on transcript NM_000143.4 (MANE Select); coding-DNA positions 674 to 675, 2 bases deleted (TT; older notation c.674_675delTT).
Protein change: p.Phe225fs; shifts the reading frame from phenylalanine 225.
Molecular consequence: frameshift variant.
Genome position (GRCh38, 1-based): chr1:241,508,666-241,508,667, AA deleted on the plus strand (TT on the coding strand, the reverse complement: FH is on the minus strand); deleting any 2 consecutive bases within chr1:241,508,666-241,508,668 gives the same sequence; the c. name uses the placement nearest the transcript's 3' end. VCF-style (leftmost placement, unchanged base first): chr1-241508665-CAA-C. GRCh37 (hg19) VCF-style: chr1-241671965-CAA-C.
Other names: short protein forms F225fs.
Identifiers: ClinVar variation 1373577 (VCV001373577.6), dbSNP rs1553341337, ClinGen allele CA2573132937.
Genomic context (GRCh38, chr1:241,508,665, plus strand): 5'-GCCCAAGAGTAAGTGGAACAGCATCCTGAGTATGAGTACGTCCAATCTTGATGATCTGTG[CAA>C]ACTCTTTGGATTTTGCATCAAGAGCATCATGTAACTTCTGTAGTCCTGGTAACAGTACTT-3'